The following is an entry in ClinVar:

NM_016333.4(SRRM2):c.5577C>T (p.Ala1859=)

Gene: SRRM2 (serine/arginine repetitive matrix 2; plus strand). Cytogenetic location: 16p13.3.
Variant type: single nucleotide variant.
Coding change: c.5577C>T on transcript NM_016333.4 (MANE Select); coding-DNA position 5577, C replaced by T.
Protein change: p.Ala1859=; no amino-acid change (alanine 1859 retained).
Molecular consequence: synonymous variant.
Genome position (GRCh38, 1-based): chr16:2,766,105, C>T. VCF-style: chr16-2766105-C-T. GRCh37 (hg19) VCF-style: chr16-2816106-C-T.
Identifiers: ClinVar variation 4874813 (VCV004874813.2).

ClinVar aggregate classification (germline): Likely benign (1 of 4 stars; one submission).

gnomAD v4.1: 17 of 1,614,046 alleles (0.0011%); highest among the groups gnomAD compares: Admixed American, 0.027%; no homozygotes.

Submission:

CeGaT Center for Human Genetics Tuebingen
Classification: Likely benign. Last evaluated: 2026-04-01. Review status: criteria provided, single submitter. Criteria: CeGaT Center For Human Genetics Tuebingen Variant Classification Criteria Version 2. Collection method: clinical testing. Allele origin: germline. Affected: yes. Observed: 1 variant allele.
Comment: SRRM2: BP4, BP7